The following is an entry in ClinVar:

NM_001385012.1(NBEA):c.6829C>T (p.Arg2277Ter)

Gene: NBEA (neurobeachin; plus strand). Cytogenetic location: 13q13.3.
Variant type: single nucleotide variant.
Coding change: c.6829C>T on transcript NM_001385012.1 (MANE Select); coding-DNA position 6829, C replaced by T.
Protein change: p.Arg2277Ter; replaces arginine 2277 with a stop codon.
Molecular consequence: nonsense.
Genome position (GRCh38, 1-based): chr13:35,555,009, C>T. VCF-style: chr13-35555009-C-T. GRCh37 (hg19) VCF-style: chr13-36129146-C-T.
Other names: c.208C>T, p.Arg70Ter (NM_001204197.3); c.6820C>T, p.Arg2274Ter (NM_001379245.1); c.6829C>T, p.Arg2277Ter (NM_015678.5); short protein forms R2277*, R2274*, R70*.
Identifiers: ClinVar variation 995844 (VCV000995844.2), dbSNP rs2079516243, ClinGen allele CA387987177.

ClinVar aggregate classification (germline): Pathogenic. Review status: criteria provided, single submitter (1 of 4 stars). 2 submissions from 2 submitters: Pathogenic (1). 1 of the submissions does not count toward it. Last evaluated 2023-02-17.

Conditions:
Neurodevelopmental disorder with or without early-onset generalized epilepsy. Identifiers: MedGen C5436914, MONDO:0030930, OMIM 619157.

gnomAD v4.1: 1 of 1,610,392 alleles (0.000062%); no homozygotes.

Submissions (2):

GeneDx
Classification: Pathogenic. Last evaluated: 2023-02-17. Review status: criteria provided, single submitter. Criteria: GeneDx Variant Classification Process June 2021. Collection method: clinical testing. Allele origin: germline. Affected: yes.
Comment: Not observed at significant frequency in large population cohorts (gnomAD); Nonsense variant predicted to result in protein truncation or nonsense mediated decay in a gene for which loss of function is a known mechanism of disease; This variant is associated with the following publications: (PMID: 30525188, 28714951, 27824329, 30269351, 28191890, 25363768, 31785789)

OMIM
Classification: Pathogenic for NEURODEVELOPMENTAL DISORDER WITH EARLY-ONSET GENERALIZED EPILEPSY. Last evaluated: 2021-01-26. Review status: no assertion criteria provided. Collection method: literature only. Allele origin: germline. Not counted in ClinVar's aggregate classification.

Literature cited by the submitters: PubMed 30269351 (cited by OMIM).